The following is an entry in ClinVar:

NM_003738.5(PTCH2):c.3350C>T (p.Pro1117Leu)

Gene: PTCH2 (patched 2; minus strand). Cytogenetic location: 1p34.1.
Variant type: single nucleotide variant.
Coding change: c.3350C>T on transcript NM_003738.5 (MANE Select); coding-DNA position 3350, C replaced by T.
Protein change: p.Pro1117Leu; replaces proline 1117 with leucine.
Molecular consequence: missense variant.
Genome position (GRCh38, 1-based): chr1:44,823,076, G>A on the plus strand (C>T on the coding strand, the complement: PTCH2 is on the minus strand). VCF-style: chr1-44823076-G-A. GRCh37 (hg19) VCF-style: chr1-45288748-G-A.
Other names: c.3350C>T, p.Pro1117Leu (NM_001166292.2); c.3350C>T (NM_003738.4); short protein forms P1117L.
Identifiers: ClinVar variation 3584424 (VCV003584424.4).

ClinVar aggregate classification (germline): Uncertain significance. Review status: criteria provided, multiple submitters, no conflicts (2 of 4 stars). 3 submissions from 3 submitters: Uncertain significance (3). Last evaluated 2025-06-07.

Conditions:
Basal cell carcinoma, susceptibility to, 1. Also called: BCC1. Identifiers: MedGen C2751544, MONDO:0011556, OMIM 605462.
Medulloblastoma (MDB). Also called: Medulloblastoma, somatic; MEDULLOBLASTOMA PREDISPOSITION SYNDROME. Identifiers: Orphanet 616, MedGen C0025149, MeSH D008527, MONDO:0007959, OMIM 155255, HP:0002885.
Gorlin syndrome. Also called: Nevoid Basal Cell Carcinoma Syndrome; Basal cell nevus syndrome. Identifiers: Orphanet 377, MedGen C0004779, MONDO:0007187.

gnomAD v4.1: 15 of 1,612,948 alleles (0.00093%); highest among the groups gnomAD compares: East Asian, 0.0067%; no homozygotes.

Submissions (3):

Ambry Genetics
Classification: Uncertain significance. Last evaluated: 2025-06-07. Review status: criteria provided, single submitter. Criteria: Ambry Variant Classification Scheme 2023. Collection method: clinical testing. Allele origin: germline.

Labcorp Genetics (formerly Invitae), Labcorp
Classification: Uncertain significance for Gorlin syndrome. Last evaluated: 2024-07-31. Review status: criteria provided, single submitter. Criteria: Invitae Variant Classification Sherloc (09022015). Collection method: clinical testing. Allele origin: germline.
Comment: This sequence change replaces proline, which is neutral and non-polar, with leucine, which is neutral and non-polar, at codon 1117 of the PTCH2 protein (p.Pro1117Leu). This variant is present in population databases (rs751731603, gnomAD 0.02%). This variant has not been reported in the literature in individuals affected with PTCH2-related conditions. Advanced modeling of protein sequence and biophysical properties (such as structural, functional, and spatial information, amino acid conservation, physicochemical variation, residue mobility, and thermodynamic stability) performed at Invitae indicates that this missense variant is not expected to disrupt PTCH2 protein function with a negative predictive value of 80%. In summary, the available evidence is currently insufficient to determine the role of this variant in disease. Therefore, it has been classified as a Variant of Uncertain Significance.

Fulgent Genetics
Classification: Uncertain significance for Medulloblastoma; Basal cell carcinoma, susceptibility to, 1. Last evaluated: 2024-04-15. Review status: criteria provided, single submitter. Criteria: ACMG Guidelines, 2015. Collection method: clinical testing. Allele origin: germline.